The following is an entry in ClinVar:

NM_007294.4(BRCA1):c.4583_4589dup (p.Lys1530delinsAsnHisTer)

Gene: BRCA1 (BRCA1 DNA repair associated; minus strand). Cytogenetic location: 17q21.31.
Variant type: Duplication.
Coding change: c.4583_4589dup on transcript NM_007294.4 (MANE Select); coding-DNA positions 4583 to 4589, 7 bases duplicated (TCATTAA; older notation c.4583_4589dupTCATTAA).
Protein change: p.Lys1530delinsAsnHisTer.
Molecular consequence: nonsense. On other transcripts: frameshift variant (362), non-coding transcript variant (1).
Genome position (GRCh38, 1-based): chr17:43,074,417-43,074,423, TTAATGA duplicated on the plus strand (TCATTAA on the coding strand, the reverse complement: BRCA1 is on the minus strand). VCF-style (leftmost placement, unchanged base first): chr17-43074416-C-CTTAATGA. GRCh37 (hg19) VCF-style: chr17-41226433-C-CTTAATGA.
Other names: c.4370_4376dup, p.Lys1459Asnfs (NM_001407571.1, NM_001407894.1, NM_001407895.1 and 12 more transcripts); c.4649_4655dup, p.Lys1552Asnfs (NM_001407581.1, NM_001407582.1); c.4646_4652dup, p.Lys1551Asnfs (NM_001407583.1, NM_001407585.1, NM_001407587.1); c.4643_4649dup, p.Lys1550Asnfs (NM_001407590.1, NM_001407591.1); c.4583_4589dup, p.Lys1530Asnfs (NM_001407593.1, NM_001407594.1, NM_001407596.1 and 8 more transcripts); c.4580_4586dup, p.Lys1529Asnfs (NM_001407610.1, NM_001407611.1, NM_001407612.1 and 17 more transcripts); c.4577_4583dup, p.Lys1528Asnfs (NM_001407627.1, NM_001407628.1, NM_001407629.1 and 14 more transcripts); c.4574_4580dup, p.Lys1527Asnfs (NM_001407644.1, NM_001407645.1); and 71 more.
Identifiers: ClinVar variation 1071926 (VCV001071926.8), dbSNP rs2154006279, ClinGen allele CA2499224404.

ClinVar aggregate classification (germline): Pathogenic (1 of 4 stars; one submission).

Conditions:
Hereditary breast ovarian cancer syndrome. Also called: Hereditary breast and ovarian cancer syndrome (HBOC); Hereditary breast and/or ovarian cancer syndrome; Hereditary breast and ovarian cancer; BRCA1- and BRCA2-Associated Hereditary Breast and Ovarian Cancer; Hereditary breast and ovarian cancer syndrome; Breast and ovarian cancer. Identifiers: Orphanet 145, MedGen C0677776, MeSH D061325, MONDO:0003582. Disease mechanism: loss of function.

Submission:

Labcorp Genetics (formerly Invitae), Labcorp
Classification: Pathogenic for Hereditary breast ovarian cancer syndrome. Last evaluated: 2020-11-16. Review status: criteria provided, single submitter. Criteria: Invitae Variant Classification Sherloc (09022015). Collection method: clinical testing. Allele origin: germline.
Comment: Loss-of-function variants in BRCA1 are known to be pathogenic (PMID: 20104584). For these reasons, this variant has been classified as Pathogenic. This variant has not been reported in the literature in individuals with BRCA1-related conditions. This sequence change creates a premature translational stop signal (p.Lys1530Asnfs*3) in the BRCA1 gene. It is expected to result in an absent or disrupted protein product. This variant is not present in population databases (ExAC no frequency).

Literature cited by the submitters: PubMed 20104584.